The following is an entry in ClinVar:

NM_001368397.1(FRMPD4):c.2425G>A (p.Ala809Thr)

Gene: FRMPD4 (FERM and PDZ domain containing 4; plus strand). Cytogenetic location: Xp22.2.
Variant type: single nucleotide variant.
Coding change: c.2425G>A on transcript NM_001368397.1 (MANE Select); coding-DNA position 2425, G replaced by A.
Protein change: p.Ala809Thr; replaces alanine 809 with threonine.
Molecular consequence: missense variant.
Genome position (GRCh38, 1-based): chrX:12,716,884, G>A. VCF-style: chrX-12716884-G-A. GRCh37 (hg19) VCF-style: chrX-12735003-G-A.
Other names: c.2401G>A, p.Ala801Thr (NM_001368401.1, NM_001368402.3); c.2425G>A, p.Ala809Thr (NM_014728.3); c.2536G>A, p.Ala846Thr (NM_001368398.3, NM_001368395.3); c.2416G>A, p.Ala806Thr (NM_001368399.3); c.2305G>A, p.Ala769Thr (NM_001368400.3); c.2431G>A, p.Ala811Thr (NM_001368396.3); short protein forms A769T, A801T, A806T, A809T, A811T, A846T.
Identifiers: ClinVar variation 1098565 (VCV001098565.3), dbSNP rs1483250337, ClinGen allele CA412312283.

ClinVar aggregate classification (germline): Uncertain significance. Review status: criteria provided, multiple submitters, no conflicts (2 of 4 stars). 2 submissions from 2 submitters: Uncertain significance (2). Last evaluated 2020-11-23.

Conditions:
Intellectual developmental disorder, X-linked 104. Also called: Intellectual disability, X-linked 104. Identifiers: MedGen C4310817, MONDO:0010509, OMIM 300983.

Allele frequency attached by ClinVar (database versions not stated): gnomAD exomes 0.00001.
gnomAD v4.1: 2 of 1,210,846 alleles (0.00017%); highest among the groups gnomAD compares: Non-Finnish European, 0.00022%; no homozygotes.

Submissions (2):

Blueprint Genetics
Classification: Uncertain significance. Last evaluated: 2020-11-23. Review status: criteria provided, single submitter. Criteria: ACMG Guidelines, 2015. Collection method: clinical testing. Allele origin: germline.

Institute for Genomic Statistics and Bioinformatics, University Hospital Bonn
Classification: Uncertain significance for Intellectual developmental disorder, X-linked 104. Review status: criteria provided, single submitter. Criteria: ACMG Guidelines, 2015. Collection method: clinical testing. Allele origin: maternal. Inheritance: X-linked inheritance. Affected: yes. Observed: 1 variant allele, 1 hemizygote.
Comment: Classification according to ACMG guidelines of c.2425G>A in FRMPD4: variant of unclear clinical significance. - PM2: The variant was found only rarely (1/183286 alleles) and never in homo or hemizygous state observed in population genetic studies (such as GnomAD, Iranome, GME, 1kGP, etc.). - PP3: A majority of bioinformatic prediction programs classify this variant as pathogenic. The gene FRMPD4 (MIM*300838) stands for FERM and PDZ Domain Containing 4. FRMPD4 is a neuronal scaffolding protein that interacts with PSD-95 to positively regulate dendritic stolon morphogenesis positively, and with mGluR1 / 5 and Homer to regulate mGluR1 / 5 signaling. Mutations in FRMPD4 have been described in godparents with X-linked mental retardation syndrome 104 (MIM#300983).2,3 It has been suggested that mutations in FMRD1 may lead to defective assembly of the FRMPD4-Homer1-PDKs-mGluR1 / 5 complex, which in turn leads to increased mGluR1 / 5 signalling, and may cause cognitive impairment. In a yet unpublished research project, additional individuals are described with sense-altering mutations in FRMPD4. All affected individuals exhibit variable intelligence impairment, as well as autistic behaviour but no dysmorphia.

Literature cited by the submitters: PubMed 26394714 (cited by Institute for Genomic Statistics and Bioinformatics, University Hospital Bonn).